The following is an entry in ClinVar:

ClinVar aggregate classification (germline): Uncertain significance. Review status: criteria provided, multiple submitters, no conflicts (2 of 4 stars). 2 submissions from 2 submitters: Uncertain significance (2). Last evaluated 2024-08-31.

Conditions:
Familial melanoma. Also called: Hereditary melanoma; Hereditary cutaneous melanoma. Identifiers: Orphanet 618, MedGen C1512419, MONDO:0018961.
Melanoma, cutaneous malignant, susceptibility to, 3. Also called: Cutaneous malignant melanoma 3. Identifiers: Orphanet 618, MedGen C1836892, MONDO:0012183, OMIM 609048.

Submissions (2):

Labcorp Genetics (formerly Invitae), Labcorp
Classification: Uncertain significance for Familial melanoma. Last evaluated: 2024-08-31. Review status: criteria provided, single submitter. Criteria: Invitae Variant Classification Sherloc (09022015). Collection method: clinical testing. Allele origin: germline.
Comment: This sequence change replaces glycine, which is neutral and non-polar, with glutamic acid, which is acidic and polar, at codon 268 of the CDK4 protein (p.Gly268Glu). This variant is not present in population databases (gnomAD no frequency). This variant has not been reported in the literature in individuals affected with CDK4-related conditions. An algorithm developed to predict the effect of missense changes on protein structure and function (PolyPhen-2) suggests that this variant is likely to be disruptive. In summary, the available evidence is currently insufficient to determine the role of this variant in disease. Therefore, it has been classified as a Variant of Uncertain Significance.

Fulgent Genetics
Classification: Uncertain significance for Melanoma, cutaneous malignant, susceptibility to, 3. Last evaluated: 2024-05-13. Review status: criteria provided, single submitter. Criteria: ACMG Guidelines, 2015. Collection method: clinical testing. Allele origin: germline.

NM_000075.4(CDK4):c.803G>A (p.Gly268Glu)

Genes: CDK4 (cyclin dependent kinase 4; minus strand), TSPAN31 (tetraspanin 31; plus strand). Cytogenetic location: 12q14.1.
Variant type: single nucleotide variant.
Coding change: c.803G>A on transcript NM_000075.4 (MANE Select); coding-DNA position 803, G replaced by A.
Protein change: p.Gly268Glu; replaces glycine 268 with glutamic acid.
Molecular consequence: missense variant. On other transcripts: 3 prime UTR variant (3).
Genome position (GRCh38, 1-based): chr12:57,749,198, C>T on the plus strand (G>A on the coding strand, the complement: CDK4 is on the minus strand). VCF-style: chr12-57749198-C-T. GRCh37 (hg19) VCF-style: chr12-58142981-C-T.
Other names: c.*1908C>T (NM_001330168.2, NM_001330169.2, NM_005981.5); short protein forms G268E.
Identifiers: ClinVar variation 3575005 (VCV003575005.3).